The following is an entry in ClinVar:

ClinVar aggregate classification (germline): Uncertain significance (1 of 4 stars; one submission).

Conditions:
Snijders Blok-Campeau syndrome. Also called: INTELLECTUAL DEVELOPMENTAL DISORDER WITH MACROCEPHALY, SPEECH DELAY, AND DYSMORPHIC FACIES. Identifiers: Orphanet 599082, MedGen C4748701, MONDO:0032600, OMIM 618205.

Submission:

3billion
Classification: Uncertain significance for Snijders Blok-Campeau syndrome. Last evaluated: 2024-11-26. Review status: criteria provided, single submitter. Criteria: ACMG Guidelines, 2015. Collection method: clinical testing. Allele origin: germline. Affected: yes.
Comment: The variant is not observed in the gnomAD v4.1.0 dataset. Predicted Consequence/Location: Missense variant In silico tool predictions suggest damaging effect of the variant on gene or gene product [REVEL: 0.95 (>=0.6, sensitivity 0.68 and specificity 0.92); 3Cnet: 1.00 (>=0.6, sensitivity 0.72 and precision 0.9)]. A different missense change at the same codon (p.Asp971Ala) has been reported to be associated with CHD3 related disorder (ClinVar ID: VCV002664700). However the evidence of pathogenicity is insufficient at this time. Therefore, this variant is classified as VUS according to the recommendation of ACMG/AMP guideline.

NM_001005273.3(CHD3):c.2912A>T (p.Asp971Val)

Gene: CHD3 (chromodomain helicase DNA binding protein 3; plus strand). Cytogenetic location: 17p13.1.
Variant type: single nucleotide variant.
Coding change: c.2912A>T on transcript NM_001005273.3 (MANE Select); coding-DNA position 2912, A replaced by T.
Protein change: p.Asp971Val; replaces aspartic acid 971 with valine.
Molecular consequence: missense variant.
Genome position (GRCh38, 1-based): chr17:7,900,665, A>T. VCF-style: chr17-7900665-A-T. GRCh37 (hg19) VCF-style: chr17-7803983-A-T.
Other names: c.3089A>T, p.Asp1030Val (NM_001005271.3, NM_001437504.1); c.3077A>T, p.Asp1026Val (NM_001437507.1, NM_001437508.1, NM_001437509.1); c.2912A>T, p.Asp971Val (NM_005852.4); short protein forms D1026V, D1030V, D971V.
Identifiers: ClinVar variation 4293684 (VCV004293684.1).